The following is an entry in ClinVar:

ClinVar aggregate classification (germline): Uncertain significance (1 of 4 stars; one submission).

Allele frequency attached by ClinVar (database versions not stated): ExAC 0.00001; gnomAD 0.00001; TOPMed 0.00001; gnomAD exomes 0.00003.
gnomAD v4.1: 38 of 1,613,938 alleles (0.0024%); highest among the groups gnomAD compares: South Asian, 0.0066%; no homozygotes.

Submission:

Labcorp Genetics (formerly Invitae), Labcorp
Classification: Uncertain significance. Last evaluated: 2021-09-06. Review status: criteria provided, single submitter. Criteria: Invitae Variant Classification Sherloc (09022015). Collection method: clinical testing. Allele origin: germline.
Comment: This sequence change replaces arginine with histidine at codon 1725 of the FN1 protein (p.Arg1725His). The arginine residue is moderately conserved and there is a small physicochemical difference between arginine and histidine. This variant is present in population databases (rs755148527, ExAC 0.006%). This variant has not been reported in the literature in individuals affected with FN1-related conditions. Algorithms developed to predict the effect of missense changes on protein structure and function are either unavailable or do not agree on the potential impact of this missense change (SIFT: "Not Available"; PolyPhen-2: "Probably Damaging"; Align-GVGD: "Not Available"). In summary, the available evidence is currently insufficient to determine the role of this variant in disease. Therefore, it has been classified as a Variant of Uncertain Significance.

NM_212482.4(FN1):c.5174G>A (p.Arg1725His)

Gene: FN1 (fibronectin 1; minus strand). Cytogenetic location: 2q35.
Variant type: single nucleotide variant.
Coding change: c.5174G>A on transcript NM_212482.4 (MANE Select); coding-DNA position 5174, G replaced by A.
Protein change: p.Arg1725His; replaces arginine 1725 with histidine.
Molecular consequence: missense variant. On other transcripts: intron variant (10).
Genome position (GRCh38, 1-based): chr2:215,381,071, C>T on the plus strand (G>A on the coding strand, the complement: FN1 is on the minus strand). VCF-style: chr2-215381071-C-T. GRCh37 (hg19) VCF-style: chr2-216245794-C-T.
Other names: c.5174G>A, p.Arg1725His (NM_001306129.2); c.4901G>A, p.Arg1634His (NM_001365518.2, NM_001365520.2, NM_001365524.2 and 2 more transcripts); c.4891+1141G>A (NM_212474.3, NM_001306132.2, NM_001365523.2 and 2 more transcripts); c.5164+1141G>A (NM_001306130.2, NM_001365522.2, NM_001365519.2 and 2 more transcripts); short protein forms R1634H, R1725H.
Identifiers: ClinVar variation 1467694 (VCV001467694.6), dbSNP rs755148527, ClinGen allele CA2094197.